The following is an entry in ClinVar:

NM_000256.3(MYBPC3):c.768C>T (p.Val256=)

Gene: MYBPC3 (myosin binding protein C3; minus strand). Cytogenetic location: 11p11.2.
Variant type: single nucleotide variant.
Coding change: c.768C>T on transcript NM_000256.3 (MANE Select); coding-DNA position 768, C replaced by T.
Protein change: p.Val256=; no amino-acid change (valine 256 retained).
Molecular consequence: synonymous variant.
Genome position (GRCh38, 1-based): chr11:47,348,428, G>A on the plus strand (C>T on the coding strand, the complement: MYBPC3 is on the minus strand). VCF-style: chr11-47348428-G-A. GRCh37 (hg19) VCF-style: chr11-47369979-G-A.
Identifiers: ClinVar variation 3075032 (VCV003075032.1), dbSNP rs886048382, ClinGen allele CA474221349.
Genomic context (GRCh38, chr11:47,348,428, plus strand): 5'-GGAGACCAGGACCCATGGGGAGCCCGAGCCCAGGACAGACACCAGGGCCCCCTCACCGTG[G>A]ACAGTGAGATTGAAGTTGGAGCAGTCAAATTTGTCCTTGGTGGACACCTCACAGCGGTAG-3'
Protein context (NP_000247.2, residues 246-266): KFDCSNFNLT[Val256=]HEAMGTGDLD

ClinVar aggregate classification (germline): Likely benign (1 of 4 stars; one submission).

Conditions:
Hypertrophic cardiomyopathy. Also called: HYPERTROPHIC MYOCARDIOPATHY. Identifiers: Orphanet 217569, MedGen C0007194, MeSH D002312, MONDO:0005045, HP:0001639.

Submission:

All of Us Research Program, National Institutes of Health
Classification: Likely benign for Hypertrophic cardiomyopathy. Last evaluated: 2023-12-18. Review status: criteria provided, single submitter. Criteria: ACMG Guidelines, 2015. Collection method: clinical testing. Allele origin: germline. Inheritance: Autosomal dominant inheritance. Observed: 1 variant allele, 1 heterozygote.
Comment: This study involves interpretation of variants in research participants for the purpose of population health screening. Participant phenotype was not available at the time of variant classification. Additional details can be found in publication PMID: 35346344, PMCID: PMC8962531